The following is an entry in ClinVar:

ClinVar aggregate classification (germline): Benign/Likely benign. Review status: criteria provided, multiple submitters, no conflicts (2 of 4 stars). 8 submissions from 6 submitters: Benign (4); Likely benign (2). 2 of the submissions do not count toward it. Last evaluated 2021-12-05.

Conditions:
Hereditary von Willebrand disease. Identifiers: Orphanet 903, MedGen C5703318, MONDO:0019565. Inheritance: Autosomal recessive or Autosomal dominant.
von Willebrand disease type 2 (VWD2). Also called: VON WILLEBRAND DISEASE, TYPE II; VWD, TYPE 2; VON WILLEBRAND DISEASE, TYPE 2A/IIE; VON WILLEBRAND DISEASE, TYPE 2CB. Identifiers: Orphanet 166081, Orphanet 903, MedGen C1264040, MONDO:0013304, OMIM 613554.
von Willebrand disease type 3 (VWD3). Also called: Type 3 Von Willebrand's disease; Type 3 VWD; Von Willebrand disease, severe form; V WD3; VON WILLEBRAND DISEASE, TYPE III. Identifiers: Orphanet 166096, MedGen C1264041, MONDO:0010191, OMIM 277480.
von Willebrand disease type 1 (VWD1). Also called: VON WILLEBRAND DISEASE, TYPE I; VWD, TYPE 1. Identifiers: Orphanet 166078, Orphanet 903, MedGen C1264039, MONDO:0008668, OMIM 193400. Inheritance: autosomal recessive or autosomal dominant.

Allele frequency attached by ClinVar (database versions not stated): gnomAD exomes 0.01253 and 0.01870; ExAC 0.02021; gnomAD 0.03268 and 0.03357; 1000 Genomes Project 0.03415; TOPMed 0.03528; ESP Exome Variant Server 0.03591; 1000 Genomes Project 30x 0.03670.
gnomAD v4.1: 23,515 of 1,613,308 alleles (1.5%); highest among the groups gnomAD compares: African/African-American, 9.1%; 544 homozygotes.

Submissions (8):

Genome-Nilou Lab
Classification: Benign for von Willebrand disease type 1. Last evaluated: 2021-12-05. Review status: criteria provided, single submitter. Criteria: ACMG Guidelines, 2015. Collection method: clinical testing. Allele origin: germline. Affected: no.

Genome-Nilou Lab
Classification: Benign for von Willebrand disease type 3. Last evaluated: 2021-12-05. Review status: criteria provided, single submitter. Criteria: ACMG Guidelines, 2015. Collection method: clinical testing. Allele origin: germline. Affected: no.

Genome-Nilou Lab
Classification: Benign for von Willebrand disease type 2. Last evaluated: 2021-12-05. Review status: criteria provided, single submitter. Criteria: ACMG Guidelines, 2015. Collection method: clinical testing. Allele origin: germline. Affected: no.

Illumina Laboratory Services, Illumina
Classification: Likely benign for von Willebrand disorder. Last evaluated: 2018-01-12. Review status: criteria provided, single submitter. Criteria: ICSL Variant Classification Criteria 13 December 2019. Collection method: clinical testing. Allele origin: germline.
Comment: This variant was observed in the ICSL laboratory as part of a predisposition screen in an ostensibly healthy population. It had not been previously curated by ICSL or reported in the Human Gene Mutation Database (HGMD: prior to June 1st, 2018), and was therefore a candidate for classification through an automated scoring system. Utilizing variant allele frequency, disease prevalence and penetrance estimates, and inheritance mode, an automated score was calculated to assess if this variant is too frequent to cause the disease. Based on the score and internal cut-off values, a variant classified as likely benign is not then subjected to further curation. The score for this variant resulted in a classification of likely benign for this disease.

Breakthrough Genomics
Classification: Likely benign. Review status: criteria provided, single submitter. Criteria: ACMG Guidelines, 2015. Collection method: not provided. Allele origin: germline. Inheritance: Autosomal recessive inheritance. Affected: yes.

PreventionGenetics, part of Exact Sciences
Classification: Benign. Review status: criteria provided, single submitter. Criteria: ACMG Guidelines, 2015. Collection method: clinical testing. Allele origin: germline.

Genome Diagnostics Laboratory, University Medical Center Utrecht
Classification: Benign. Review status: no assertion criteria provided. Collection method: clinical testing. Allele origin: germline. Affected: yes. Study: VKGL Data-share Consensus. Not counted in ClinVar's aggregate classification.

Joint Genome Diagnostic Labs from Nijmegen and Maastricht, Radboudumc and MUMC+
Classification: Benign. Review status: no assertion criteria provided. Collection method: clinical testing. Allele origin: germline. Affected: yes. Study: VKGL Data-share Consensus. Not counted in ClinVar's aggregate classification.

NM_000552.5(VWF):c.6798+14C>T

Gene: VWF (von Willebrand factor; minus strand). Cytogenetic location: 12p13.31.
Variant type: single nucleotide variant.
Coding change: c.6798+14C>T on transcript NM_000552.5 (MANE Select); 14 bases into the intron after coding-DNA position 6798, C replaced by T.
Molecular consequence: intron variant.
Genome position (GRCh38, 1-based): chr12:5,991,805, G>A on the plus strand (C>T on the coding strand, the complement: VWF is on the minus strand). VCF-style: chr12-5991805-G-A. GRCh37 (hg19) VCF-style: chr12-6100971-G-A.
Identifiers: ClinVar variation 256692 (VCV000256692.11), dbSNP rs7315124, ClinGen allele CA6401910.